The following is an entry in ClinVar:

ClinVar aggregate classification (germline): Uncertain significance (1 of 4 stars; one submission).

Submission:

CeGaT Center for Human Genetics Tuebingen
Classification: Uncertain significance. Last evaluated: 2025-01-01. Review status: criteria provided, single submitter. Criteria: CeGaT Center For Human Genetics Tuebingen Variant Classification Criteria Version 2. Collection method: clinical testing. Allele origin: germline. Affected: yes. Observed: 1 variant allele.
Comment: KAT6B: PM2, BP1

NM_012330.4(KAT6B):c.2659G>C (p.Ala887Pro)

Gene: KAT6B (lysine acetyltransferase 6B; plus strand). Cytogenetic location: 10q22.2.
Variant type: single nucleotide variant.
Coding change: c.2659G>C on transcript NM_012330.4 (MANE Select); coding-DNA position 2659, G replaced by C.
Protein change: p.Ala887Pro; replaces alanine 887 with proline.
Molecular consequence: missense variant.
Genome position (GRCh38, 1-based): chr10:75,020,611, G>C. VCF-style: chr10-75020611-G-C. GRCh37 (hg19) VCF-style: chr10-76780369-G-C.
Other names: c.2110G>C, p.Ala704Pro (NM_001256468.2, NM_001370138.1); c.1783G>C, p.Ala595Pro (NM_001256469.2, NM_001370139.1, NM_001370140.1 and 2 more transcripts); c.1621G>C, p.Ala541Pro (NM_001370132.1); c.970G>C, p.Ala324Pro (NM_001370133.1); c.574G>C, p.Ala192Pro (NM_001370134.1); c.316G>C, p.Ala106Pro (NM_001370135.1); c.2659G>C, p.Ala887Pro (NM_001370136.1, NM_001370137.1); c.1594G>C, p.Ala532Pro (NM_001370143.1, NM_001370144.1); short protein forms A106P, A192P, A324P, A532P, A541P, A595P, A704P, A887P.
Identifiers: ClinVar variation 3772390 (VCV003772390.13).